The following is an entry in ClinVar:

NM_005422.4(TECTA):c.6057del (p.Cys2020fs)

Genes: TBCEL-TECTA (TBCEL-TECTA readthrough; plus strand), TECTA (tectorin alpha; plus strand). Cytogenetic location: 11q23.3.
Variant type: Deletion.
Coding change: c.6057del on transcript NM_005422.4 (MANE Select); coding-DNA position 6057, one base deleted (C; older notation c.6057delC).
Protein change: p.Cys2020fs; shifts the reading frame from cysteine 2020.
Molecular consequence: frameshift variant.
Genome position (GRCh38, 1-based): chr11:121,187,889, C deleted; the last of 2 consecutive C bases (chr11:121,187,888-121,187,889); deleting either gives the same sequence. VCF-style (leftmost placement, unchanged base first): chr11-121187887-AC-A. GRCh37 (hg19) VCF-style: chr11-121058596-AC-A.
Other names: c.6999del, p.Cys2334fs (NM_001378761.1); short protein forms C2020fs, C2334fs.
Identifiers: ClinVar variation 1075751 (VCV001075751.7), dbSNP rs2134215591, ClinGen allele CA2499220809.

ClinVar aggregate classification (germline): Pathogenic (1 of 4 stars; one submission).

Submission:

Labcorp Genetics (formerly Invitae), Labcorp
Classification: Pathogenic. Last evaluated: 2017-10-06. Review status: criteria provided, single submitter. Criteria: Invitae Variant Classification Sherloc (09022015). Collection method: clinical testing. Allele origin: germline.
Comment: For these reasons, this variant has been classified as Pathogenic. Loss-of-function variants in TECTA are known to be pathogenic (PMID: 11087000, 12746400, 17431902, 24130743). This variant has not been reported in the literature in individuals with TECTA-related disease. This variant is not present in population databases (ExAC no frequency). This sequence change creates a premature translational stop signal (p.Cys2020Valfs*11) in the TECTA gene. It is expected to result in an absent or disrupted protein product.

Literature cited by the submitters: PubMed 11087000; PubMed 12746400; PubMed 17431902; PubMed 24130743.